The following is an entry in ClinVar:

ClinVar aggregate classification (germline): Uncertain significance. Review status: criteria provided, multiple submitters, no conflicts (2 of 4 stars). 3 submissions from 2 submitters: Uncertain significance (3). Last evaluated 2023-03-29.

Conditions:
Hereditary cancer-predisposing syndrome. Also called: Hereditary Cancer Syndrome; Neoplastic Syndromes, Hereditary; Hereditary neoplastic syndrome; Tumor predisposition. Identifiers: Orphanet 140162, MedGen C0027672, MeSH D009386, MONDO:0015356.
Holoprosencephaly 7 (HPE7). Identifiers: Orphanet 2162, MedGen C1835820, MONDO:0012562, OMIM 610828.
Gorlin syndrome. Also called: Nevoid Basal Cell Carcinoma Syndrome; Basal cell nevus syndrome. Identifiers: Orphanet 377, MedGen C0004779, MONDO:0007187.

Submissions (3):

Ambry Genetics
Classification: Uncertain significance for Hereditary cancer-predisposing syndrome. Last evaluated: 2023-03-29. Review status: criteria provided, single submitter. Criteria: Ambry Variant Classification Scheme 2023. Collection method: clinical testing. Allele origin: germline.
Comment: The p.S917I variant (also known as c.2750G>T), located in coding exon 17 of the PTCH1 gene, results from a G to T substitution at nucleotide position 2750. The serine at codon 917 is replaced by isoleucine, an amino acid with dissimilar properties. This amino acid position is not well conserved in available vertebrate species. In addition, the in silico prediction for this alteration is inconclusive. Since supporting evidence is limited at this time, the clinical significance of this alteration remains unclear.

Illumina Laboratory Services, Illumina
Classification: Uncertain significance for Holoprosencephaly 7. Last evaluated: 2018-01-12. Review status: criteria provided, single submitter. Criteria: ICSL Variant Classification Criteria 13 December 2019. Collection method: clinical testing. Allele origin: germline.

Illumina Laboratory Services, Illumina
Classification: Uncertain significance for Basal cell nevus syndrome 1. Last evaluated: 2018-01-12. Review status: criteria provided, single submitter. Criteria: ICSL Variant Classification Criteria 13 December 2019. Collection method: clinical testing. Allele origin: germline.

NM_000264.5(PTCH1):c.2750G>T (p.Ser917Ile)

Gene: PTCH1 (patched 1; minus strand). Cytogenetic location: 9q22.32.
Variant type: single nucleotide variant.
Coding change: c.2750G>T on transcript NM_000264.5 (MANE Select); coding-DNA position 2750, G replaced by T.
Protein change: p.Ser917Ile; replaces serine 917 with isoleucine.
Molecular consequence: missense variant. On other transcripts: non-coding transcript variant (1).
Genome position (GRCh38, 1-based): chr9:95,459,737, C>A on the plus strand (G>T on the coding strand, the complement: PTCH1 is on the minus strand). VCF-style: chr9-95459737-C-A. GRCh37 (hg19) VCF-style: chr9-98222019-C-A.
Other names: c.2552G>T, p.Ser851Ile (NM_001083602.3); c.2747G>T, p.Ser916Ile (NM_001083603.3); c.2297G>T, p.Ser766Ile (NM_001083604.3, NM_001083605.3, NM_001083606.3 and 1 more transcripts); c.2594G>T, p.Ser865Ile (NM_001354918.2); short protein forms S851I, S916I, S917I, S865I, S766I.
Identifiers: ClinVar variation 821764 (VCV000821764.9), dbSNP rs1588544954, ClinGen allele CA374113161.